The following is an entry in ClinVar:

NM_000465.4(BARD1):c.1568+6420A>G

Gene: BARD1 (BRCA1 associated RING domain 1; minus strand). Cytogenetic location: 2q35.
Variant type: single nucleotide variant.
Coding change: c.1568+6420A>G on transcript NM_000465.4 (MANE Select); 6420 bases into the intron after coding-DNA position 1568, A replaced by G.
Molecular consequence: intron variant.
Genome position (GRCh38, 1-based): chr2:214,761,062, T>C on the plus strand (A>G on the coding strand, the complement: BARD1 is on the minus strand). VCF-style: chr2-214761062-T-C. GRCh37 (hg19) VCF-style: chr2-215625786-T-C.
Other names: c.159-8507A>G (NM_001282548.2); c.1511+6420A>G (NM_001282543.2); c.216-8507A>G (NM_001282545.2); c.365-30554A>G (NM_001282549.2).
Identifiers: ClinVar variation 1423142 (VCV001423142.7), dbSNP rs1325938441, ClinGen allele CA1327061428.

ClinVar aggregate classification (germline): Uncertain significance (1 of 4 stars; one submission).

Conditions:
Familial cancer of breast. Also called: BREAST CANCER, FAMILIAL; Hereditary breast cancer; hereditary breast carcinoma. Identifiers: Orphanet 227535, MedGen C0346153, MONDO:0016419, OMIM 114480. Disease mechanism: loss of function.

Allele frequency attached by ClinVar (database versions not stated): TOPMed 0.00001.

Submission:

Labcorp Genetics (formerly Invitae), Labcorp
Classification: Uncertain significance for Familial cancer of breast. Last evaluated: 2025-07-13. Review status: criteria provided, single submitter. Criteria: Invitae Variant Classification Sherloc (09022015). Collection method: clinical testing. Allele origin: germline.
Comment: This sequence change falls in intron 6 of the BARD1 gene. It does not directly change the encoded amino acid sequence of the BARD1 protein. RNA analysis indicates that this variant induces altered splicing and likely results in the gain of 29 amino acid residue(s), but is expected to preserve the integrity of the reading-frame. This variant is not present in population databases (gnomAD no frequency). This variant has not been reported in the literature in individuals affected with BARD1-related conditions. ClinVar contains an entry for this variant (Variation ID: 1423142). Studies have shown that this variant results in the activation of a cryptic splice site in intron 6, resulting in the inclusion of a cryptic exon (internal data). In summary, the available evidence is currently insufficient to determine the role of this variant in disease. Therefore, it has been classified as a Variant of Uncertain Significance.